The following is an entry in ClinVar:

NM_003184.4(TAF2):c.2825C>T (p.Ser942Phe)

Gene: TAF2 (TATA-box binding protein associated factor 2; minus strand). Cytogenetic location: 8q24.12.
Variant type: single nucleotide variant.
Coding change: c.2825C>T on transcript NM_003184.4 (MANE Select); coding-DNA position 2825, C replaced by T.
Protein change: p.Ser942Phe; replaces serine 942 with phenylalanine.
Molecular consequence: missense variant.
Genome position (GRCh38, 1-based): chr8:119,756,059, G>A on the plus strand (C>T on the coding strand, the complement: TAF2 is on the minus strand). VCF-style: chr8-119756059-G-A. GRCh37 (hg19) VCF-style: chr8-120768299-G-A.
Other names: short protein forms S942F.
Identifiers: ClinVar variation 2062243 (VCV002062243.4), dbSNP rs756109889, ClinGen allele CA371891075.

ClinVar aggregate classification (germline): Uncertain significance (1 of 4 stars; one submission).

Submission:

Labcorp Genetics (formerly Invitae), Labcorp
Classification: Uncertain significance. Last evaluated: 2024-10-29. Review status: criteria provided, single submitter. Criteria: Invitae Variant Classification Sherloc (09022015). Collection method: clinical testing. Allele origin: germline.
Comment: This sequence change replaces serine, which is neutral and polar, with phenylalanine, which is neutral and non-polar, at codon 942 of the TAF2 protein (p.Ser942Phe). This variant is not present in population databases (gnomAD no frequency). This variant has not been reported in the literature in individuals affected with TAF2-related conditions. ClinVar contains an entry for this variant (Variation ID: 2062243). Invitae Evidence Modeling of protein sequence and biophysical properties (such as structural, functional, and spatial information, amino acid conservation, physicochemical variation, residue mobility, and thermodynamic stability) indicates that this missense variant is not expected to disrupt TAF2 protein function with a negative predictive value of 80%. In summary, the available evidence is currently insufficient to determine the role of this variant in disease. Therefore, it has been classified as a Variant of Uncertain Significance.